The following is an entry in ClinVar:

NM_003737.4(DCHS1):c.6650G>A (p.Arg2217His)

Gene: DCHS1 (dachsous cadherin-related 1; minus strand). Cytogenetic location: 11p15.4.
Variant type: single nucleotide variant.
Coding change: c.6650G>A on transcript NM_003737.4 (MANE Select); coding-DNA position 6650, G replaced by A.
Protein change: p.Arg2217His; replaces arginine 2217 with histidine.
Molecular consequence: missense variant.
Genome position (GRCh38, 1-based): chr11:6,626,001, C>T on the plus strand (G>A on the coding strand, the complement: DCHS1 is on the minus strand). VCF-style: chr11-6626001-C-T. GRCh37 (hg19) VCF-style: chr11-6647232-C-T.
Other names: c.6650G>A (NM_003737.2); short protein forms R2217H.
Identifiers: ClinVar variation 1441664 (VCV001441664.9), dbSNP rs149822394, ClinGen allele CA5859809.
Genomic context (GRCh38, chr11:6,626,001, plus strand): 5'-CGGTCCAGGATGGCTGTGGTAGTGATAGTGCCTGTGGTTGGGTCTACGTGGAACAATCCA[C>T]GTGCCGGCTGGGATGCAGCCAGACTGTAGGAAATCTGTCCTCCAGAGCCTTGATCCAGGT-3'
Protein context (NP_003728.1, residues 2207-2227): SYSLAASQPA[Arg2217His]GLFHVDPTTG

ClinVar aggregate classification (germline): Uncertain significance. Review status: criteria provided, multiple submitters, no conflicts (2 of 4 stars). 2 submissions from 2 submitters: Uncertain significance (2). Last evaluated 2023-12-21.

Conditions:
Inborn genetic diseases. Identifiers: MedGen C0950123, MeSH D030342.

Allele frequency attached by ClinVar (database versions not stated): gnomAD exomes 0.00003; ESP Exome Variant Server 0.00015; 1000 Genomes Project 0.00020; 1000 Genomes Project 30x 0.00031; ExAC 0.00002; gnomAD 0.00002 and 0.00003; TOPMed 0.00002.
gnomAD v4.1: 24 of 1,613,124 alleles (0.0015%); highest among the groups gnomAD compares: South Asian, 0.0099%; no homozygotes.

Submissions (2):

Ambry Genetics
Classification: Uncertain significance for Inborn genetic diseases. Last evaluated: 2023-12-21. Review status: criteria provided, single submitter. Criteria: Ambry Variant Classification Scheme 2023. Collection method: clinical testing. Allele origin: germline.

Labcorp Genetics (formerly Invitae), Labcorp
Classification: Uncertain significance. Last evaluated: 2023-04-09. Review status: criteria provided, single submitter. Criteria: Invitae Variant Classification Sherloc (09022015). Collection method: clinical testing. Allele origin: germline.
Comment: This sequence change replaces arginine, which is basic and polar, with histidine, which is basic and polar, at codon 2217 of the DCHS1 protein (p.Arg2217His). In summary, the available evidence is currently insufficient to determine the role of this variant in disease. Therefore, it has been classified as a Variant of Uncertain Significance. Advanced modeling of protein sequence and biophysical properties (such as structural, functional, and spatial information, amino acid conservation, physicochemical variation, residue mobility, and thermodynamic stability) performed at Invitae indicates that this missense variant is not expected to disrupt DCHS1 protein function. ClinVar contains an entry for this variant (Variation ID: 1441664). This variant has not been reported in the literature in individuals affected with DCHS1-related conditions. This variant is present in population databases (rs149822394, gnomAD 0.01%).